The following is an entry in ClinVar:

NM_015466.4(PTPN23):c.3214C>T (p.Pro1072Ser)

Gene: PTPN23 (protein tyrosine phosphatase non-receptor type 23; plus strand). Cytogenetic location: 3p21.31.
Variant type: single nucleotide variant.
Coding change: c.3214C>T on transcript NM_015466.4 (MANE Select); coding-DNA position 3214, C replaced by T.
Protein change: p.Pro1072Ser; replaces proline 1072 with serine.
Molecular consequence: missense variant.
Genome position (GRCh38, 1-based): chr3:47,411,012, C>T. VCF-style: chr3-47411012-C-T. GRCh37 (hg19) VCF-style: chr3-47452502-C-T.
Other names: c.2836C>T, p.Pro946Ser (NM_001304482.2); short protein forms P1072S, P946S.
Identifiers: ClinVar variation 2099970 (VCV002099970.4), dbSNP rs2546252870, ClinGen allele CA352561362.
Genomic context (GRCh38, chr3:47,411,012, plus strand): 5'-GGTCCTGCCCCTTCTACCAGACCCATGGGCCCCCAGGCAGCCCCTCTTACCATTCGAGGG[C>T]CCTCGTCTGCTGGCCAGTCCACCCCTAGTCCCCACCTGGTGCCTTCACCTGCCCCATCTC-3'
Protein context (NP_056281.1, residues 1062-1082): PQAAPLTIRG[Pro1072Ser]SSAGQSTPSP

ClinVar aggregate classification (germline): Uncertain significance (1 of 4 stars; one submission).

Submission:

Labcorp Genetics (formerly Invitae), Labcorp
Classification: Uncertain significance. Last evaluated: 2022-03-19. Review status: criteria provided, single submitter. Criteria: Invitae Variant Classification Sherloc (09022015). Collection method: clinical testing. Allele origin: germline.
Comment: This sequence change replaces proline, which is neutral and non-polar, with serine, which is neutral and polar, at codon 1072 of the PTPN23 protein (p.Pro1072Ser). This variant is not present in population databases (gnomAD no frequency). This variant has not been reported in the literature in individuals affected with PTPN23-related conditions. Algorithms developed to predict the effect of missense changes on protein structure and function are either unavailable or do not agree on the potential impact of this missense change (SIFT: "Tolerated"; PolyPhen-2: "Probably Damaging"; Align-GVGD: "Class C0"). In summary, the available evidence is currently insufficient to determine the role of this variant in disease. Therefore, it has been classified as a Variant of Uncertain Significance.